The following is an entry in ClinVar:

NM_000352.6(ABCC8):c.686C>T (p.Thr229Ile)

Gene: ABCC8 (ATP binding cassette subfamily C member 8; minus strand). Cytogenetic location: 11p15.1.
Variant type: single nucleotide variant.
Coding change: c.686C>T on transcript NM_000352.6 (MANE Select); coding-DNA position 686, C replaced by T.
Protein change: p.Thr229Ile; replaces threonine 229 with isoleucine.
Molecular consequence: missense variant. On other transcripts: non-coding transcript variant (1).
Genome position (GRCh38, 1-based): chr11:17,461,719, G>A on the plus strand (C>T on the coding strand, the complement: ABCC8 is on the minus strand). VCF-style: chr11-17461719-G-A. GRCh37 (hg19) VCF-style: chr11-17483266-G-A.
Other names: c.686C>T, p.Thr229Ile (NM_001287174.3, NM_001351295.2, NM_001351296.2 and 1 more transcripts); c.686C>T (NM_000352.4); short protein forms T229I.
Identifiers: ClinVar variation 556086 (VCV000556086.13), dbSNP rs768017509, ClinGen allele CA5903799.
Genomic context (GRCh38, chr11:17,461,719, plus strand): 5'-GCTCGCAAGTCGATGGGCTTCTTGTGGGCAGTCTTGATGAAGGCGTTCATCCACCAGTAG[G>A]TGCCTTTGGACAGCAGATTCACGAAGGGCTGCAGGAAGCGTACCCCCAGGTCTTGCAGGT-3'
Protein context (NP_000343.2, residues 219-239): QPFVNLLSKG[Thr229Ile]YWWMNAFIKT

ClinVar aggregate classification (germline): Conflicting classifications of pathogenicity. Review status: criteria provided, conflicting classifications (1 of 4 stars). 6 submissions from 6 submitters: Likely pathogenic (2); Uncertain significance (3). 1 of the submissions does not count toward it. Last evaluated 2025-06-11.

Conditions:
ABCC8-related disorder.
Hyperinsulinemic hypoglycemia, familial, 1 (HHF1). Also called: Persistent Hyperinsulinemia Hypoglycemia of Infancy; Persistent hyperinsulinemic hypoglycemia of infancy; HYPERINSULINISM, FAMILIAL, WITH PANCREATIC NESIDIOBLASTOSIS; HYPOGLYCEMIA, HYPERINSULINEMIC, OF INFANCY; NESIDIOBLASTOSIS OF PANCREAS. Identifiers: Orphanet 276575, Orphanet 276598, MedGen C2931832, MONDO:0009734, OMIM 256450.
Type 2 diabetes mellitus. Also called: Type II diabetes mellitus. Identifiers: MedGen C0011860, MeSH D003924, MONDO:0005148, OMIM 125853, HP:0005978.
Leucine-induced hypoglycemia (LIH). Also called: LEUCINE-SENSITIVE HYPOGLYCEMIA OF INFANCY. Identifiers: MedGen C0271714, MONDO:0009415, OMIM 240800.
Diabetes mellitus, transient neonatal, 2 (TNDM2). Identifiers: Orphanet 99886, MedGen C1835887, MONDO:0012480, OMIM 610374. Disease mechanism: loss of function.
Diabetes mellitus, permanent neonatal 3. Also called: ABCC8-Related Permanent Neonatal Diabetes Mellitus. Identifiers: MedGen C5394303, MONDO:0030088, OMIM 618857.

Allele frequency attached by ClinVar (database versions not stated): ExAC 0.00001; gnomAD 0.00001; gnomAD exomes 0.00001 and 0.00002; TOPMed 0.00002.
gnomAD v4.1: 30 of 1,614,074 alleles (0.0019%); highest among the groups gnomAD compares: Non-Finnish European, 0.0022%; no homozygotes.

Submissions (6):

Women's Health and Genetics/Laboratory Corporation of America, LabCorp
Classification: Uncertain significance. Last evaluated: 2025-06-11. Review status: criteria provided, single submitter. Criteria: LabCorp Variant Classification Summary - May 2015. Collection method: clinical testing. Allele origin: germline.
Comment: Variant summary: ABCC8 c.686C>T (p.Thr229Ile) results in a non-conservative amino acid change in the encoded protein sequence. Algorithms developed to predict the effect of missense changes on protein structure and function all suggest that this variant is likely to be disruptive. The variant allele was found at a frequency of 1.2e-05 in 251488 control chromosomes. c.686C>T has been observed in the homozygous state in an individual affected with transient neonatal diabetes mellitus and in the compound heterozygous state with p.V1523L in an individual with permanent diabetes mellitus (Ellard_2007, Patch_2007). These data indicate that the variant may be associated with disease. At least one publication reports experimental evidence evaluating an impact on protein function using Xenopus oocytes with the variant in either the heterozygous state or the compound heterozygous state with p.V1523L, finding that the variant results in reduced ATP sensitivity (Ellard_2007). The following publications have been ascertained in the context of this evaluation (PMID: 17668386, 17919176). ClinVar contains an entry for this variant (Variation ID: 556086). Based on the evidence outlined above, the variant was classified as VUS-possibly pathogenic.

PreventionGenetics, part of Exact Sciences
Classification: Uncertain significance for ABCC8-related condition. Last evaluated: 2024-12-13. Review status: criteria provided, single submitter. Criteria: ACMG Guidelines, 2015. Collection method: clinical testing. Allele origin: germline.
Comment: The ABCC8 c.686C>T variant is predicted to result in the amino acid substitution p.Thr229Ile. This variant has been reported in the apparently compound heterozygous state in an individual with permanent neonatal diabetes mellitus (Ellard et al. 2007. PubMed ID: 17668386). It has also been reported in the homozygous state in an individual with transient neonatal diabetes mellitus (Patch et al. 2007. PubMed ID: 17919176). In vitro functional studies using Xenopus oocytes showed increased ATP sensitivity (Ellard et al. 2007. PubMed ID: 17668386). This variant is reported in 0.0023% of alleles in individuals of European (non-Finnish) descent in gnomAD. An alternate nucleotide change affecting the same genomic position (c.686C>A; p.Thr229Asn) has been reported in an individual with neonatal diabetes mellitus (Hashimoto et al. 2017. PubMed ID: 27681997). Although we suspect that this variant may be pathogenic, at this time, the clinical significance of this variant is uncertain due to the absence of conclusive functional and genetic evidence.

Baylor Genetics
Classification: Likely pathogenic for Type 2 diabetes mellitus. Last evaluated: 2024-02-27. Review status: criteria provided, single submitter. Criteria: ACMG Guidelines, 2015. Collection method: clinical testing. Allele origin: unknown.

Labcorp Genetics (formerly Invitae), Labcorp
Classification: Likely pathogenic. Last evaluated: 2023-07-21. Review status: criteria provided, single submitter. Criteria: Invitae Variant Classification Sherloc (09022015). Collection method: clinical testing. Allele origin: germline.
Comment: This sequence change replaces threonine, which is neutral and polar, with isoleucine, which is neutral and non-polar, at codon 229 of the ABCC8 protein (p.Thr229Ile). This variant is present in population databases (rs768017509, gnomAD 0.002%). This missense change has been observed in individuals with autosomal recessive neonatal diabetes (PMID: 17668386, 17919176). ClinVar contains an entry for this variant (Variation ID: 556086). Advanced modeling of protein sequence and biophysical properties (such as structural, functional, and spatial information, amino acid conservation, physicochemical variation, residue mobility, and thermodynamic stability) performed at Invitae indicates that this missense variant is expected to disrupt ABCC8 protein function. Experimental studies have shown that this missense change affects ABCC8 function (PMID: 17668386). In summary, the currently available evidence indicates that the variant is pathogenic, but additional data are needed to prove that conclusively. Therefore, this variant has been classified as Likely Pathogenic.

Fulgent Genetics
Classification: Uncertain significance for Type 2 diabetes mellitus; Leucine-induced hypoglycemia; Hyperinsulinemic hypoglycemia, familial, 1; Diabetes mellitus, transient neonatal, 2; Diabetes mellitus, permanent neonatal 3. Last evaluated: 2021-12-27. Review status: criteria provided, single submitter. Criteria: ACMG Guidelines, 2015. Collection method: clinical testing. Allele origin: unknown.

Counsyl
Classification: Uncertain significance for Hyperinsulinemic hypoglycemia, familial, 1. Last evaluated: 2018-01-11. Review status: no assertion criteria provided. Collection method: clinical testing. Allele origin: unknown. Not counted in ClinVar's aggregate classification.

Literature cited by the submitters: PubMed 17668386 (cited by 3 submitters); PubMed 17919176 (cited by 3 submitters).